The following is an entry in ClinVar:

ClinVar aggregate classification (germline): Uncertain significance. Review status: criteria provided, multiple submitters, no conflicts (2 of 4 stars). 2 submissions from 2 submitters: Uncertain significance (2). Last evaluated 2025-12-21.

Conditions:
Inborn genetic diseases. Identifiers: MedGen C0950123, MeSH D030342.

gnomAD v4.1: 3 of 1,614,216 alleles (0.00019%); highest among the groups gnomAD compares: Non-Finnish European, 0.00025%; no homozygotes.

Submissions (2):

Labcorp Genetics (formerly Invitae), Labcorp
Classification: Uncertain significance. Last evaluated: 2025-12-21. Review status: criteria provided, single submitter. Criteria: Invitae Variant Classification Sherloc (09022015). Collection method: clinical testing. Allele origin: germline.
Comment: This sequence change replaces serine, which is neutral and polar, with threonine, which is neutral and polar, at codon 219 of the ADNP protein (p.Ser219Thr). This variant is not present in population databases (gnomAD no frequency). This variant has not been reported in the literature in individuals affected with ADNP-related conditions. ClinVar contains an entry for this variant (Variation ID: 1754236). An algorithm developed to predict the effect of missense changes on protein structure and function (PolyPhen-2) suggests that this variant is likely to be tolerated. In summary, the available evidence is currently insufficient to determine the role of this variant in disease. Therefore, it has been classified as a Variant of Uncertain Significance.

Ambry Genetics
Classification: Uncertain significance for Inborn genetic diseases. Last evaluated: 2018-05-02. Review status: criteria provided, single submitter. Criteria: Ambry Variant Classification Scheme 2023. Collection method: clinical testing. Allele origin: germline.
Comment: The p.S219T variant (also known as c.656G>C), located in coding exon 3 of the ADNP gene, results from a G to C substitution at nucleotide position 656. The serine at codon 219 is replaced by threonine, an amino acid with similar properties. This amino acid position is poorly conserved in available vertebrate species. In addition, this alteration is predicted to be tolerated by in silico analysis. Since supporting evidence is limited at this time, the clinical significance of this alteration remains unclear.

NM_001282531.3(ADNP):c.656G>C (p.Ser219Thr)

Gene: ADNP (activity dependent neuroprotector homeobox; minus strand). Cytogenetic location: 20q13.13.
Variant type: single nucleotide variant.
Coding change: c.656G>C on transcript NM_001282531.3 (MANE Select); coding-DNA position 656, G replaced by C.
Protein change: p.Ser219Thr; replaces serine 219 with threonine.
Molecular consequence: missense variant.
Genome position (GRCh38, 1-based): chr20:50,894,058, C>G on the plus strand (G>C on the coding strand, the complement: ADNP is on the minus strand). VCF-style: chr20-50894058-C-G. GRCh37 (hg19) VCF-style: chr20-49510595-C-G.
Other names: c.656G>C, p.Ser219Thr (NM_001282532.2, NM_001347511.2, NM_015339.5 and 1 more transcripts); short protein forms S219T.
Identifiers: ClinVar variation 1754236 (VCV001754236.3), dbSNP rs749029140, ClinGen allele CA408976889.
Genomic context (GRCh38, chr20:50,894,058, plus strand): 5'-TGCTGTACCAAAGCTTCATAGGACTTTGGCATGAAAAGGCATCGCTTGCAGTGAATACTA[C>G]TCTCTTCTCGGGCATTCGAGCCTAAGGGGACTGCCCCATTGAGTGATTTTTCTCCTGCCT-3'
Protein context (NP_001269460.1, residues 209-229): VPLGSNAREE[Ser219Thr]SIHCKRCLFM